The following is an entry in ClinVar:

NM_001018115.3(FANCD2):c.1279G>A (p.Val427Ile)

Genes: FANCD2 (FA complementation group D2; plus strand), LOC107303338 (3p25 FANCD2 Alu-mediated recombination region; plus strand). Cytogenetic location: 3p25.3.
Variant type: single nucleotide variant.
Coding change: c.1279G>A on transcript NM_001018115.3 (MANE Select); coding-DNA position 1279, G replaced by A.
Protein change: p.Val427Ile; replaces valine 427 with isoleucine.
Molecular consequence: missense variant.
Genome position (GRCh38, 1-based): chr3:10,047,917, G>A. VCF-style: chr3-10047917-G-A. GRCh37 (hg19) VCF-style: chr3-10089601-G-A.
Other names: c.1279G>A, p.Val427Ile (NM_001319984.2, NM_001374253.1, NM_001374254.1 and 1 more transcripts); short protein forms V427I.
Identifiers: ClinVar variation 1362347 (VCV001362347.8), dbSNP rs529893298, ClinGen allele CA70033615.
Genomic context (GRCh38, chr3:10,047,917, plus strand): 5'-AGGTTGTGTACTAACTGTTTCCTACAGCTTCTTTTCTCTCTCTACTCTTCCCCACTCAAG[G>A]TTCTTAAGGATATGTGTTCATCCATTCTGTCGCTGGCTCAGAGTTTGCTTCACTCTCTAG-3'
Protein context (NP_001018125.1, residues 417-437): LQSTFSVHYL[Val427Ile]LKDMCSSILS

ClinVar aggregate classification (germline): Uncertain significance (1 of 4 stars; one submission).

Conditions:
Fanconi anemia (FA). Also called: Fanconi's anemia. Identifiers: Orphanet 84, MedGen C0015625, MeSH D005199, MONDO:0019391.

Allele frequency attached by ClinVar (database versions not stated): gnomAD exomes below 0.00001.

Submission:

Labcorp Genetics (formerly Invitae), Labcorp
Classification: Uncertain significance for Fanconi anemia. Last evaluated: 2020-12-01. Review status: criteria provided, single submitter. Criteria: Invitae Variant Classification Sherloc (09022015). Collection method: clinical testing. Allele origin: germline.
Comment: In summary, the available evidence is currently insufficient to determine the role of this variant in disease. Therefore, it has been classified as a Variant of Uncertain Significance. Algorithms developed to predict the effect of sequence changes on RNA splicing suggest that this variant may disrupt the consensus splice site, but this prediction has not been confirmed by published transcriptional studies. Algorithms developed to predict the effect of missense changes on protein structure and function (SIFT, PolyPhen-2, Align-GVGD) all suggest that this variant is likely to be tolerated, but these predictions have not been confirmed by published functional studies and their clinical significance is uncertain. This variant has not been reported in the literature in individuals with FANCD2-related conditions. This variant is not present in population databases (ExAC no frequency). This sequence change replaces valine with isoleucine at codon 427 of the FANCD2 protein (p.Val427Ile). The valine residue is moderately conserved and there is a small physicochemical difference between valine and isoleucine.